The following is an entry in ClinVar:

NM_025114.4(CEP290):c.1435_1436del (p.Glu478_Ile479insTer)

Gene: CEP290 (centrosomal protein 290; minus strand). Cytogenetic location: 12q21.32.
Variant type: Deletion.
Coding change: c.1435_1436del on transcript NM_025114.4 (MANE Select); coding-DNA positions 1435 to 1436, 2 bases deleted (AT; older notation c.1435_1436delAT).
Protein change: p.Glu478_Ile479insTer.
Molecular consequence: nonsense.
Genome position (GRCh38, 1-based): chr12:88,120,200-88,120,201, AT deleted on the plus strand (AT on the coding strand, the reverse complement: CEP290 is on the minus strand). VCF-style (leftmost placement, unchanged base first): chr12-88120199-AAT-A. GRCh37 (hg19) VCF-style: chr12-88513976-AAT-A.
Identifiers: ClinVar variation 2943209 (VCV002943209.3), dbSNP rs1366385653, ClinGen allele CA693042126.

ClinVar aggregate classification (germline): Pathogenic (1 of 4 stars; one submission).

Conditions:
Joubert syndrome. Also called: CEREBELLOPARENCHYMAL DISORDER IV; JOUBERT-BOLTSHAUSER SYNDROME; Familial aplasia of the vermis. Identifiers: Orphanet 475, MedGen C5979921, MONDO:0018772.
Nephronophthisis. Also called: Juvenile Nephronophthisis. Identifiers: Orphanet 655, MedGen C0687120, MONDO:0019005, HP:0000090.
Meckel-Gruber syndrome. Also called: DYSENCEPHALIA SPLANCHNOCYSTICA; GRUBER SYNDROME; Dysencephalia splachnocystica. Identifiers: Orphanet 564, MedGen C0265215, MONDO:0018921.

Allele frequency attached by ClinVar (database versions not stated): TOPMed below 0.00001.

Submission:

Labcorp Genetics (formerly Invitae), Labcorp
Classification: Pathogenic for Joubert syndrome; Meckel-Gruber syndrome; Nephronophthisis. Last evaluated: 2023-01-14. Review status: criteria provided, single submitter. Criteria: Invitae Variant Classification Sherloc (09022015). Collection method: clinical testing. Allele origin: germline.
Comment: For these reasons, this variant has been classified as Pathogenic. This variant has not been reported in the literature in individuals affected with CEP290-related conditions. This variant is not present in population databases (gnomAD no frequency). This sequence change creates a premature translational stop signal (p.Ile479*) in the CEP290 gene. It is expected to result in an absent or disrupted protein product. Loss-of-function variants in CEP290 are known to be pathogenic (PMID: 16909394, 17345604, 20690115).

Literature cited by the submitters: PubMed 16909394; PubMed 17345604; PubMed 20690115.